The following is an entry in ClinVar:

ClinVar aggregate classification (germline): Uncertain significance. Review status: criteria provided, multiple submitters, no conflicts (2 of 4 stars). 2 submissions from 2 submitters: Uncertain significance (2). Last evaluated 2023-06-28.

Conditions:
Wilson disease (WND). Also called: Wilson's disease. Identifiers: Orphanet 905, MedGen C0019202, MONDO:0010200, OMIM 277900. Disease mechanism: loss of function.

Allele frequency attached by ClinVar (database versions not stated): gnomAD exomes below 0.00001; gnomAD 0.00001; TOPMed 0.00001.
gnomAD v4.1: 4 of 1,613,962 alleles (0.00025%); highest among the groups gnomAD compares: Non-Finnish European, 0.00034%; no homozygotes.

Submissions (2):

All of Us Research Program, National Institutes of Health
Classification: Uncertain significance for Wilson disease. Last evaluated: 2023-06-28. Review status: criteria provided, single submitter. Criteria: ACMG Guidelines, 2015. Collection method: clinical testing. Allele origin: germline. Inheritance: Autosomal recessive inheritance. Observed: 2 variant alleles, 2 heterozygotes.
Comment: This missense variant replaces threonine with isoleucine at codon 361 of the ATP7B protein. Computational prediction suggests that this variant may not impact protein structure and function (internally defined REVEL score threshold <= 0.5, PMID: 27666373). To our knowledge, functional studies have not been reported for this variant. This variant has not been reported in individuals affected with ATP7B-related disorders in the literature. This variant has not been identified in the general population by the Genome Aggregation Database (gnomAD). The available evidence is insufficient to determine the role of this variant in disease conclusively. Therefore, this variant is classified as a Variant of Uncertain Significance.

This study involves interpretation of variants in research participants for the purpose of population health screening. Participant phenotype was not available at the time of variant classification. Additional details can be found in publication PMID: 35346344, PMCID: PMC8962531

Labcorp Genetics (formerly Invitae), Labcorp
Classification: Uncertain significance for Wilson disease. Last evaluated: 2022-11-22. Review status: criteria provided, single submitter. Criteria: Invitae Variant Classification Sherloc (09022015). Collection method: clinical testing. Allele origin: germline.
Comment: In summary, the available evidence is currently insufficient to determine the role of this variant in disease. Therefore, it has been classified as a Variant of Uncertain Significance. Advanced modeling of protein sequence and biophysical properties (such as structural, functional, and spatial information, amino acid conservation, physicochemical variation, residue mobility, and thermodynamic stability) performed at Invitae indicates that this missense variant is not expected to disrupt ATP7B protein function. ClinVar contains an entry for this variant (Variation ID: 1420821). This variant has not been reported in the literature in individuals affected with ATP7B-related conditions. This variant is not present in population databases (gnomAD no frequency). This sequence change replaces threonine, which is neutral and polar, with isoleucine, which is neutral and non-polar, at codon 361 of the ATP7B protein (p.Thr361Ile).

NM_000053.4(ATP7B):c.1082C>T (p.Thr361Ile)

Gene: ATP7B (ATPase copper transporting beta; minus strand). Cytogenetic location: 13q14.3.
Variant type: single nucleotide variant.
Coding change: c.1082C>T on transcript NM_000053.4 (MANE Select); coding-DNA position 1082, C replaced by T.
Protein change: p.Thr361Ile; replaces threonine 361 with isoleucine.
Molecular consequence: missense variant. On other transcripts: intron variant (1).
Genome position (GRCh38, 1-based): chr13:51,974,138, G>A on the plus strand (C>T on the coding strand, the complement: ATP7B is on the minus strand). VCF-style: chr13-51974138-G-A. GRCh37 (hg19) VCF-style: chr13-52548274-G-A.
Other names: c.1082C>T, p.Thr361Ile (NM_001005918.3, NM_001330578.2, NM_001330579.2); c.803-54C>T (NM_001243182.2); short protein forms T361I.
Identifiers: ClinVar variation 1420821 (VCV001420821.9), dbSNP rs1243293542, ClinGen allele CA388039128.